The following is an entry in ClinVar:

ClinVar aggregate classification (germline): Uncertain significance (1 of 4 stars; one submission).

Conditions:
Hereditary cancer-predisposing syndrome. Also called: Hereditary neoplastic syndrome; Tumor predisposition; Hereditary Cancer Syndrome; Neoplastic Syndromes, Hereditary. Identifiers: Orphanet 140162, MedGen C0027672, MeSH D009386, MONDO:0015356.

gnomAD v4.1: 4 of 1,613,972 alleles (0.00025%); highest among the groups gnomAD compares: South Asian, 0.0033%; no homozygotes.

Submission:

Ambry Genetics
Classification: Uncertain significance for Hereditary cancer-predisposing syndrome. Last evaluated: 2023-06-22. Review status: criteria provided, single submitter. Criteria: Ambry Variant Classification Scheme 2023. Collection method: clinical testing. Allele origin: germline.
Comment: The p.K254E variant (also known as c.760A>G), located in coding exon 5 of the NTHL1 gene, results from an A to G substitution at nucleotide position 760. The lysine at codon 254 is replaced by glutamic acid, an amino acid with similar properties. This amino acid position is conserved. In addition, this alteration is predicted to be tolerated by in silico analysis. Since supporting evidence is limited at this time, the clinical significance of this alteration remains unclear.

NM_002528.7(NTHL1):c.736A>G (p.Lys246Glu)

Gene: NTHL1 (nth like DNA glycosylase 1; minus strand). Cytogenetic location: 16p13.3.
Variant type: single nucleotide variant.
Coding change: c.736A>G on transcript NM_002528.7 (MANE Select); coding-DNA position 736, A replaced by G.
Protein change: p.Lys246Glu; replaces lysine 246 with glutamic acid.
Molecular consequence: missense variant.
Genome position (GRCh38, 1-based): chr16:2,040,188, T>C on the plus strand (A>G on the coding strand, the complement: NTHL1 is on the minus strand). VCF-style: chr16-2040188-T-C. GRCh37 (hg19) VCF-style: chr16-2090189-T-C.
Other names: c.565A>G, p.Lys189Glu (NM_001318193.2); c.406A>G, p.Lys136Glu (NM_001318194.2); short protein forms K136E, K189E, K246E.
Identifiers: ClinVar variation 2586092 (VCV002586092.2), dbSNP rs879181418, ClinGen allele CA276761802.
Genomic context (GRCh38, chr16:2,040,188, plus strand): 5'-CATACCTAGGCAGCCACTCCTCCAGGGCGGCGCGGGTCTCCTCTGGGGACTTGGTTGCCT[T>C]CTTGGTCCACCTCAGCCTGTTGGCGATTCTGTGCACATGCGTGTCCACTGCTGCTGGGAG-3'
Protein context (NP_002519.2, residues 236-256): RIANRLRWTK[Lys246Glu]ATKSPEETRA